The following is an entry in ClinVar:

ClinVar aggregate classification (germline): Uncertain significance (1 of 4 stars; one submission).

Conditions:
Nemaline myopathy 10 (NEM10). Identifiers: MedGen C4015360, MONDO:0014513, OMIM 616165.

Submission:

Labcorp Genetics (formerly Invitae), Labcorp
Classification: Uncertain significance for Nemaline myopathy 10. Last evaluated: 2022-08-08. Review status: criteria provided, single submitter. Criteria: Invitae Variant Classification Sherloc (09022015). Collection method: clinical testing. Allele origin: unknown.
Comment: In summary, the available evidence is currently insufficient to determine the role of this variant in disease. Therefore, it has been classified as a Variant of Uncertain Significance. This variant has not been reported in the literature in individuals affected with LMOD3-related conditions. A copy number gain of the genomic region encompassing the full coding sequence of the LMOD3 gene has been identified. The boundaries of this event are unknown as they extend beyond the assayed region for this gene and therefore may encompass additional genes. As the precise location of this event is unknown, it may be in tandem or it may be located elsewhere in the genome.

NC_000003.11:g.(?_69158246)_(69171537_?)dup

Gene: LMOD3 (leiomodin 3; minus strand). Cytogenetic location: 3p14.1.
Variant type: Duplication.
Identifiers: ClinVar variation 3246934 (VCV003246934.1).